The following is an entry in ClinVar:

NM_001008537.3(NEXMIF):c.4273A>G (p.Thr1425Ala)

Gene: NEXMIF (neurite extension and migration factor; minus strand). Cytogenetic location: Xq13.3.
Variant type: single nucleotide variant.
Coding change: c.4273A>G on transcript NM_001008537.3 (MANE Select); coding-DNA position 4273, A replaced by G.
Protein change: p.Thr1425Ala; replaces threonine 1425 with alanine.
Molecular consequence: missense variant.
Genome position (GRCh38, 1-based): chrX:74,740,284, T>C on the plus strand (A>G on the coding strand, the complement: NEXMIF is on the minus strand). VCF-style: chrX-74740284-T-C. GRCh37 (hg19) VCF-style: chrX-73960119-T-C.
Other names: short protein forms T1425A.
Identifiers: ClinVar variation 1439327 (VCV001439327.8), dbSNP rs2147438800, ClinGen allele CA413663654.
Genomic context (GRCh38, chrX:74,740,284, plus strand): 5'-TGTGTGTCGGTCCGTTATTGCCTAAAGTGCTCATGTTACTATACTTTTTATCAAAGAAGG[T>C]AGAGCGAGAGTCCTCGTTATAACCAGGCATGTTTGCACGACCAGGATCACCTATTGCTGT-3'
Protein context (NP_001008537.1, residues 1415-1435): MPGYNEDSRS[Thr1425Ala]FFDKKYSNMS

ClinVar aggregate classification (germline): Uncertain significance (1 of 4 stars; one submission).

Allele frequency attached by ClinVar (database versions not stated): gnomAD exomes below 0.00001.
gnomAD v4.1: 4 of 1,211,243 alleles (0.00033%); highest among the groups gnomAD compares: South Asian, 0.0035%; no homozygotes.

Submission:

Labcorp Genetics (formerly Invitae), Labcorp
Classification: Uncertain significance. Last evaluated: 2023-10-09. Review status: criteria provided, single submitter. Criteria: Invitae Variant Classification Sherloc (09022015). Collection method: clinical testing. Allele origin: germline.
Comment: This sequence change replaces threonine, which is neutral and polar, with alanine, which is neutral and non-polar, at codon 1425 of the NEXMIF protein (p.Thr1425Ala). This variant is not present in population databases (gnomAD no frequency). This variant has not been reported in the literature in individuals affected with NEXMIF-related conditions. ClinVar contains an entry for this variant (Variation ID: 1439327). Algorithms developed to predict the effect of missense changes on protein structure and function output the following: SIFT: "Not Available"; PolyPhen-2: "Benign"; Align-GVGD: "Not Available". The alanine amino acid residue is found in multiple mammalian species, which suggests that this missense change does not adversely affect protein function. In summary, the available evidence is currently insufficient to determine the role of this variant in disease. Therefore, it has been classified as a Variant of Uncertain Significance.